The following is an entry in ClinVar:

ClinVar aggregate classification (germline): Likely pathogenic (1 of 4 stars; one submission).

Conditions:
Dilated cardiomyopathy 1G (CMD1G). Identifiers: Orphanet 154, MedGen C1858763, MONDO:0011400, OMIM 604145.
Autosomal recessive limb-girdle muscular dystrophy type 2J (LGMDR10). Also called: Limb-girdle muscular dystrophy, type 2J; MUSCULAR DYSTROPHY, LIMB-GIRDLE, AUTOSOMAL RECESSIVE 10. Identifiers: Orphanet 140922, MedGen C1837342, MONDO:0012127, OMIM 608807.

Submission:

Labcorp Genetics (formerly Invitae), Labcorp
Classification: Likely pathogenic for Dilated cardiomyopathy 1G; Autosomal recessive limb-girdle muscular dystrophy type 2J. Last evaluated: 2024-01-02. Review status: criteria provided, single submitter. Criteria: Invitae Variant Classification Sherloc (09022015). Collection method: clinical testing. Allele origin: germline.
Comment: This sequence change affects a donor splice site in intron 71 of the TTN gene. It is expected to disrupt RNA splicing and likely results in a truncated or disrupted TTN protein. This variant is not present in population databases (gnomAD no frequency). This variant has not been reported in the literature in individuals affected with TTN-related conditions. Algorithms developed to predict the effect of sequence changes on RNA splicing suggest that this variant may disrupt the consensus splice site. This variant is located in the I band of TTN (PMID: 25589632). Truncating variants in this region have been reported in individuals affected with autosomal recessive centronuclear myopathy (PMID: 23975875). Truncating variants in this region have also been identified in individuals affected with autosomal dominant dilated cardiomyopathy and/or cardio-related conditions (PMID: 27869827, 32964742). In summary, the currently available evidence indicates that the variant is pathogenic, but additional data are needed to prove that conclusively. Therefore, this variant has been classified as Likely Pathogenic.

Literature cited by the submitters: PubMed 25589632; PubMed 23975875; PubMed 27869827; PubMed 32964742.

NM_001267550.2(TTN):c.20836+1G>T

Gene: TTN (titin; minus strand). Cytogenetic location: 2q31.2.
Variant type: single nucleotide variant.
Coding change: c.20836+1G>T on transcript NM_001267550.2 (MANE Select); the canonical splice donor site of the intron after coding-DNA position 20836, G replaced by T.
Molecular consequence: splice donor variant. On other transcripts: intron variant (3).
Genome position (GRCh38, 1-based): chr2:178,725,367, C>A on the plus strand (G>T on the coding strand, the complement: TTN is on the minus strand). VCF-style: chr2-178725367-C-A. GRCh37 (hg19) VCF-style: chr2-179590094-C-A.
Other names: c.13282+12715G>T (NM_003319.4); c.13858+12715G>T (NM_133437.4); c.13657+12715G>T (NM_133432.3); c.17104+1G>T (NM_133378.4); c.19885+1G>T (NM_001256850.1).
Identifiers: ClinVar variation 2941865 (VCV002941865.3), dbSNP rs1553915256, ClinGen allele CA349540430.